The following is an entry in ClinVar:

NM_001367624.2(ZNF469):c.10982C>T (p.Pro3661Leu)

Gene: ZNF469 (zinc finger protein 469; plus strand). Cytogenetic location: 16q24.2.
Variant type: single nucleotide variant.
Coding change: c.10982C>T on transcript NM_001367624.2 (MANE Select); coding-DNA position 10982, C replaced by T.
Protein change: p.Pro3661Leu; replaces proline 3661 with leucine.
Molecular consequence: missense variant.
Genome position (GRCh38, 1-based): chr16:88,438,452, C>T. VCF-style: chr16-88438452-C-T. GRCh37 (hg19) VCF-style: chr16-88504860-C-T.
Other names: short protein forms P3661L.
Identifiers: ClinVar variation 1394147 (VCV001394147.6), dbSNP rs1248805377, ClinGen allele CA397128724.
Genomic context (GRCh38, chr16:88,438,452, plus strand): 5'-ACCACCTACTTCAGAAAGAGAAGGAGGTGTCCTCAAGCCACATGGTGTCTGAGGGGGGGC[C>T]CCGAGGCGCCTTCCACAAGGGCAGCGCCACCAAGCCTGCGGGCTGCCAGAGCTCATCAAA-3'
Protein context (NP_001354553.1, residues 3651-3671): SSSHMVSEGG[Pro3661Leu]RGAFHKGSAT

ClinVar aggregate classification (germline): Uncertain significance (1 of 4 stars; one submission).

Allele frequency attached by ClinVar (database versions not stated): gnomAD 0.00001; TOPMed 0.00001.
gnomAD v4.1: 1 of 1,550,038 alleles (0.000065%); highest among the groups gnomAD compares: African/African-American, 0.0014%; no homozygotes.

Submission:

Labcorp Genetics (formerly Invitae), Labcorp
Classification: Uncertain significance. Last evaluated: 2021-11-19. Review status: criteria provided, single submitter. Criteria: Invitae Variant Classification Sherloc (09022015). Collection method: clinical testing. Allele origin: germline.
Comment: This variant is not present in population databases (gnomAD no frequency). This sequence change replaces proline, which is neutral and non-polar, with leucine, which is neutral and non-polar, at codon 3633 of the ZNF469 protein (p.Pro3633Leu). This variant has not been reported in the literature in individuals affected with ZNF469-related conditions. In summary, the available evidence is currently insufficient to determine the role of this variant in disease. Therefore, it has been classified as a Variant of Uncertain Significance. Algorithms developed to predict the effect of missense changes on protein structure and function output the following: SIFT: "Tolerated"; PolyPhen-2: "Benign"; Align-GVGD: "Class C0". The leucine amino acid residue is found in multiple mammalian species, which suggests that this missense change does not adversely affect protein function.